The following is an entry in ClinVar:

ClinVar aggregate classification (germline): Benign/Likely benign. Review status: criteria provided, multiple submitters, no conflicts (2 of 4 stars). 4 submissions from 4 submitters: Benign (1); Likely benign (3). Last evaluated 2026-05-15.

Conditions:
Hereditary cancer-predisposing syndrome. Also called: Hereditary neoplastic syndrome; Neoplastic Syndromes, Hereditary; Hereditary Cancer Syndrome; Tumor predisposition. Identifiers: Orphanet 140162, MedGen C0027672, MeSH D009386, MONDO:0015356.
Cardiovascular phenotype. Identifiers: MedGen CN230736.
Neurofibromatosis, type 1 (NF1). Also called: Peripheral type neurofibromatosis; Neurofibromatosis, type I; VON RECKLINGHAUSEN DISEASE; NEUROFIBROMATOSIS, TYPE I, SOMATIC. Identifiers: Orphanet 636, MedGen C0027831, MONDO:0018975, OMIM 162200. Disease mechanism: loss of function.

Allele frequency attached by ClinVar (database versions not stated): gnomAD exomes below 0.00001; TOPMed 0.00001.
gnomAD v4.1: 1 of 1,614,074 alleles (0.000062%); highest among the groups gnomAD compares: South Asian, 0.0011%; no homozygotes.

Submissions (4):

Myriad Genetics, Inc.
Classification: Benign for Neurofibromatosis, type 1. Last evaluated: 2026-05-15. Review status: criteria provided, single submitter. Criteria: Myriad Autosomal Dominant, Autosomal Recessive and X-Linked Classification Criteria (2023). Collection method: clinical testing. Allele origin: unknown.
Comment: This variant is considered benign. This variant is a silent/synonymous amino acid change and it is not expected to impact splicing.

Labcorp Genetics (formerly Invitae), Labcorp
Classification: Likely benign for Neurofibromatosis, type 1. Last evaluated: 2026-01-18. Review status: criteria provided, single submitter. Criteria: Invitae Variant Classification Sherloc (09022015). Collection method: clinical testing. Allele origin: germline.

Genome-Nilou Lab
Classification: Likely benign for Neurofibromatosis, type 1. Last evaluated: 2022-03-15. Review status: criteria provided, single submitter. Criteria: ACMG Guidelines, 2015. Collection method: clinical testing. Allele origin: germline. Affected: no.

Ambry Genetics
Classification: Likely benign for Cardiovascular phenotype; Hereditary cancer-predisposing syndrome. Last evaluated: 2016-07-14. Review status: criteria provided, single submitter. Criteria: Ambry Variant Classification Scheme 2023. Collection method: clinical testing. Allele origin: germline.

NM_001042492.3(NF1):c.1107G>A (p.Gln369=)

Gene: NF1 (neurofibromin 1; plus strand). Cytogenetic location: 17q11.2.
Variant type: single nucleotide variant.
Coding change: c.1107G>A on transcript NM_001042492.3 (MANE Select); coding-DNA position 1107, G replaced by A.
Protein change: p.Gln369=; no amino-acid change (glutamine 369 retained).
Molecular consequence: synonymous variant.
Genome position (GRCh38, 1-based): chr17:31,201,081, G>A. VCF-style: chr17-31201081-G-A. GRCh37 (hg19) VCF-style: chr17-29528099-G-A.
Other names: c.1107G>A, p.Gln369= (NM_000267.4, NM_001128147.3).
Identifiers: ClinVar variation 484046 (VCV000484046.13), dbSNP rs1193249274, ClinGen allele CA499219469.